The following is an entry in ClinVar:

NM_005585.5(SMAD6):c.857A>G (p.Asp286Gly)

Gene: SMAD6 (SMAD family member 6; plus strand). Cytogenetic location: 15q22.31.
Variant type: single nucleotide variant.
Coding change: c.857A>G on transcript NM_005585.5 (MANE Select); coding-DNA position 857, A replaced by G.
Protein change: p.Asp286Gly; replaces aspartic acid 286 with glycine.
Molecular consequence: missense variant. On other transcripts: non-coding transcript variant (1).
Genome position (GRCh38, 1-based): chr15:66,711,707, A>G. VCF-style: chr15-66711707-A-G. GRCh37 (hg19) VCF-style: chr15-67004045-A-G.
Other names: short protein forms D286G.
Identifiers: ClinVar variation 2504727 (VCV002504727.5), dbSNP rs138466588, ClinGen allele CA7626595.

ClinVar aggregate classification (germline): Uncertain significance. Review status: criteria provided, multiple submitters, no conflicts (2 of 4 stars). 3 submissions from 3 submitters: Uncertain significance (3). Last evaluated 2025-03-26.

Conditions:
Inborn genetic diseases. Identifiers: MedGen C0950123, MeSH D030342.
Aortic valve disease 2 (AOVD2). Identifiers: MedGen C3542024, MONDO:0013902, OMIM 614823.

Allele frequency attached by ClinVar (database versions not stated): gnomAD exomes 0.00001; ExAC 0.00004; gnomAD 0.00004; TOPMed 0.00007; ESP Exome Variant Server 0.00015.

Submissions (3):

Ambry Genetics
Classification: Uncertain significance for Inborn genetic diseases. Last evaluated: 2025-03-26. Review status: criteria provided, single submitter. Criteria: Ambry Variant Classification Scheme 2023. Collection method: clinical testing. Allele origin: germline.

Labcorp Genetics (formerly Invitae), Labcorp
Classification: Uncertain significance for Aortic valve disease 2. Last evaluated: 2023-08-16. Review status: criteria provided, single submitter. Criteria: Invitae Variant Classification Sherloc (09022015). Collection method: clinical testing. Allele origin: germline.
Comment: This sequence change replaces aspartic acid, which is acidic and polar, with glycine, which is neutral and non-polar, at codon 286 of the SMAD6 protein (p.Asp286Gly). In summary, the available evidence is currently insufficient to determine the role of this variant in disease. Therefore, it has been classified as a Variant of Uncertain Significance. Advanced modeling of protein sequence and biophysical properties (such as structural, functional, and spatial information, amino acid conservation, physicochemical variation, residue mobility, and thermodynamic stability) performed at Invitae indicates that this missense variant is not expected to disrupt SMAD6 protein function. ClinVar contains an entry for this variant (Variation ID: 2504727). This variant has not been reported in the literature in individuals affected with SMAD6-related conditions. This variant is present in population databases (rs138466588, gnomAD 0.03%).

GeneDx
Classification: Uncertain significance. Last evaluated: 2022-12-07. Review status: criteria provided, single submitter. Criteria: GeneDx Variant Classification Process June 2021. Collection method: clinical testing. Allele origin: germline. Affected: yes.
Comment: In silico analysis supports that this missense variant has a deleterious effect on protein structure/function; Has not been previously published as pathogenic or benign to our knowledge